The following is an entry in ClinVar:

ClinVar aggregate classification (germline): Uncertain significance (1 of 4 stars; one submission).

Conditions:
Hereditary breast ovarian cancer syndrome. Also called: Hereditary breast and ovarian cancer syndrome (HBOC); Hereditary breast and ovarian cancer syndrome; Breast and ovarian cancer; Hereditary breast and/or ovarian cancer syndrome; Hereditary breast and ovarian cancer; BRCA1- and BRCA2-Associated Hereditary Breast and Ovarian Cancer. Identifiers: Orphanet 145, MedGen C0677776, MeSH D061325, MONDO:0003582. Disease mechanism: loss of function.

Submission:

Labcorp Genetics (formerly Invitae), Labcorp
Classification: Uncertain significance for Hereditary breast ovarian cancer syndrome. Last evaluated: 2017-07-02. Review status: criteria provided, single submitter. Criteria: Invitae Variant Classification Sherloc (09022015). Collection method: clinical testing. Allele origin: germline.
Comment: This sequence change replaces asparagine with serine at codon 3164 of the BRCA2 protein (p.Asn3164Ser). The asparagine residue is weakly conserved and there is a small physicochemical difference between asparagine and serine. This variant is not present in population databases (ExAC no frequency). In summary, the available evidence is currently insufficient to determine the role of this variant in disease. Therefore, it has been classified as a Variant of Uncertain Significance. Algorithms developed to predict the effect of missense changes on protein structure and function output the following: SIFT: "Tolerated"; PolyPhen-2: "Benign"; Align-GVGD: "Class C0". The serine amino acid residue is found in multiple mammalian species, suggesting that this missense change does not adversely affect protein function. These predictions have not been confirmed by published functional studies and their clinical significance is uncertain. This variant has not been reported in the literature in individuals with BRCA2-related disease.

NM_000059.4(BRCA2):c.9491A>G (p.Asn3164Ser)

Gene: BRCA2 (BRCA2 DNA repair associated; plus strand). Cytogenetic location: 13q13.1.
Variant type: single nucleotide variant.
Coding change: c.9491A>G on transcript NM_000059.4 (MANE Select); coding-DNA position 9491, A replaced by G.
Protein change: p.Asn3164Ser; replaces asparagine 3164 with serine.
Molecular consequence: missense variant.
Genome position (GRCh38, 1-based): chr13:32,394,923, A>G. VCF-style: chr13-32394923-A-G. GRCh37 (hg19) VCF-style: chr13-32969060-A-G.
Other names: short protein forms N3164S.
Identifiers: ClinVar variation 462527 (VCV000462527.9), dbSNP rs1135401930, ClinGen allele CA387761861.